The following is an entry in ClinVar:

ClinVar aggregate classification (germline): Uncertain significance (1 of 4 stars; one submission).

Conditions:
Pitt-Hopkins-like syndrome 2 (PTHSL2). Identifiers: Orphanet 221150, Orphanet 600663, MedGen C3280479, MONDO:0013690, OMIM 614325.

Allele frequency attached by ClinVar (database versions not stated): ExAC 0.00001.
gnomAD v4.1: 27 of 1,602,384 alleles (0.0017%); highest among the groups gnomAD compares: Non-Finnish European, 0.0023%; no homozygotes.

Submission:

Labcorp Genetics (formerly Invitae), Labcorp
Classification: Uncertain significance for Pitt-Hopkins-like syndrome 2. Last evaluated: 2025-12-16. Review status: criteria provided, single submitter. Criteria: Invitae Variant Classification Sherloc (09022015). Collection method: clinical testing. Allele origin: germline.
Comment: This sequence change replaces aspartic acid, which is acidic and polar, with tyrosine, which is neutral and polar, at codon 106 of the NRXN1 protein (p.Asp106Tyr). The frequency data for this variant in the population databases is considered unreliable, as metrics indicate poor data quality at this position in the gnomAD database. This variant has not been reported in the literature in individuals affected with NRXN1-related conditions. ClinVar contains an entry for this variant (Variation ID: 2770860). An algorithm developed to predict the effect of missense changes on protein structure and function (PolyPhen-2) suggests that this variant is likely to be disruptive. In summary, the available evidence is currently insufficient to determine the role of this variant in disease. Therefore, it has been classified as a Variant of Uncertain Significance.

NM_001330078.2(NRXN1):c.316G>T (p.Asp106Tyr)

Gene: NRXN1 (neurexin 1; minus strand). Cytogenetic location: 2p16.3.
Variant type: single nucleotide variant.
Coding change: c.316G>T on transcript NM_001330078.2 (MANE Select); coding-DNA position 316, G replaced by T.
Protein change: p.Asp106Tyr; replaces aspartic acid 106 with tyrosine.
Molecular consequence: missense variant.
Genome position (GRCh38, 1-based): chr2:51,027,958, C>A on the plus strand (G>T on the coding strand, the complement: NRXN1 is on the minus strand). VCF-style: chr2-51027958-C-A. GRCh37 (hg19) VCF-style: chr2-51255096-C-A.
Other names: c.316G>T, p.Asp106Tyr (NM_001330077.2, NM_001330079.2, NM_001330081.2 and 15 more transcripts); short protein forms D106Y.
Identifiers: ClinVar variation 2770860 (VCV002770860.3), dbSNP rs200576486, ClinGen allele CA1655523.